The following is an entry in ClinVar:

ClinVar aggregate classification (germline): Benign/Likely benign. Review status: criteria provided, multiple submitters, no conflicts (2 of 4 stars). 2 submissions from 2 submitters: Benign (1); Likely benign (1). Last evaluated 2023-11-24.

Conditions:
Metaphyseal chondrodysplasia, Schmid type (MCDS). Also called: SPONDYLOMETAPHYSEAL DYSPLASIA, JAPANESE TYPE. Identifiers: Orphanet 174, MedGen C0265289, MONDO:0007983, OMIM 156500.

Allele frequency attached by ClinVar (database versions not stated): TOPMed 0.00003; gnomAD 0.00004 and 0.00009; gnomAD exomes 0.00010 and 0.00020; ExAC 0.00012; 1000 Genomes Project 30x 0.00016; 1000 Genomes Project 0.00020.
gnomAD v4.1: 293 of 1,613,064 alleles (0.018%); highest among the groups gnomAD compares: East Asian, 0.64%; no homozygotes.

Submissions (2):

Labcorp Genetics (formerly Invitae), Labcorp
Classification: Likely benign. Last evaluated: 2023-11-24. Review status: criteria provided, single submitter. Criteria: Invitae Variant Classification Sherloc (09022015). Collection method: clinical testing. Allele origin: germline.

Illumina Laboratory Services, Illumina
Classification: Benign for Metaphyseal chondrodysplasia, Schmid type. Last evaluated: 2018-01-13. Review status: criteria provided, single submitter. Criteria: ICSL Variant Classification Criteria 13 December 2019. Collection method: clinical testing. Allele origin: germline.
Comment: This variant was observed in the ICSL laboratory as part of a predisposition screen in an ostensibly healthy population. It had not been previously curated by ICSL or reported in the Human Gene Mutation Database (HGMD: prior to June 1st, 2018), and was therefore a candidate for classification through an automated scoring system. Utilizing variant allele frequency, disease prevalence and penetrance estimates, and inheritance mode, an automated score was calculated to assess if this variant is too frequent to cause the disease. Based on the score and internal cut-off values, a variant classified as benign is not then subjected to further curation. The score for this variant resulted in a classification of benign for this disease.

NM_000493.4(COL10A1):c.2040G>C (p.Met680Ile)

Genes: COL10A1 (collagen type X alpha 1 chain; minus strand), NT5DC1 (5'-nucleotidase domain containing 1; plus strand). Cytogenetic location: 6q22.1.
Variant type: single nucleotide variant.
Coding change: c.2040G>C on transcript NM_000493.4 (MANE Select); coding-DNA position 2040, G replaced by C.
Protein change: p.Met680Ile; replaces methionine 680 with isoleucine.
Molecular consequence: missense variant. On other transcripts: intron variant (1).
Genome position (GRCh38, 1-based): chr6:116,120,076, C>G on the plus strand (G>C on the coding strand, the complement: COL10A1 is on the minus strand). VCF-style: chr6-116120076-C-G. GRCh37 (hg19) VCF-style: chr6-116441239-C-G.
Other names: c.2040G>C, p.Met680Ile (NM_001424106.1, NM_001424107.1); c.529+2131C>G (NM_152729.3); short protein forms M680I.
Identifiers: ClinVar variation 734392 (VCV000734392.10), dbSNP rs200235459, ClinGen allele CA3968066.